The following is an entry in ClinVar:

NM_000238.4(KCNH2):c.813_818dup (p.Arg273_Glu274insSerArg)

Gene: KCNH2 (potassium voltage-gated channel subfamily H member 2; minus strand). Cytogenetic location: 7q36.1.
Variant type: Duplication.
Coding change: c.813_818dup on transcript NM_000238.4 (MANE Select); coding-DNA positions 813 to 818, 6 bases duplicated (CTCCCG; older notation c.813_818dupCTCCCG).
Protein change: p.Arg273_Glu274insSerArg.
Molecular consequence: inframe insertion. On other transcripts: inframe indel (5).
Genome position (GRCh38, 1-based): chr7:150,958,157-150,958,162, CGGGAG duplicated on the plus strand (CTCCCG on the coding strand, the reverse complement: KCNH2 is on the minus strand); duplicating any 6 consecutive bases within chr7:150,958,157-150,958,164 gives the same sequence; the c. name uses the placement nearest the transcript's 3' end. VCF-style (leftmost placement, unchanged base first): chr7-150958156-T-TCGGGAG. GRCh37 (hg19) VCF-style: chr7-150655244-T-TCGGGAG.
Other names: c.523_528dup, p.Arg177_Glu178insSerArg (NM_001406753.1, NM_001406756.1); c.634_639dup, p.Arg214_Glu215insSerArg (NM_001406755.1); c.511_516dup, p.Arg173_Glu174insSerArg (NM_001406757.1); c.811_816dup, p.Arg273_Glu274insSerArg (NM_172056.3).
Identifiers: ClinVar variation 1878715 (VCV001878715.1), dbSNP rs2486089364, ClinGen allele CA2580077687.

ClinVar aggregate classification (germline): Uncertain significance (1 of 4 stars; one submission).

Submission:

GeneDx
Classification: Uncertain significance. Last evaluated: 2022-07-11. Review status: criteria provided, single submitter. Criteria: GeneDx Variant Classification Process June 2021. Collection method: clinical testing. Allele origin: germline. Affected: yes.
Comment: Not observed at significant frequency in large population cohorts (gnomAD); In-frame insertion of 2 amino acids in a non-repeat region; Has not been previously published as pathogenic or benign to our knowledge